The following is an entry in ClinVar:

NM_015375.3(DSTYK):c.143_163dup (p.Asp54_Ile55insThrGlnLysPhePheArgAsp)

Gene: DSTYK (dual serine/threonine and tyrosine protein kinase; minus strand). Cytogenetic location: 1q32.1.
Variant type: Duplication.
Coding change: c.143_163dup on transcript NM_015375.3 (MANE Select); coding-DNA positions 143 to 163, 21 bases duplicated (CCCAGAAGTTCTTCCGCGACA).
Protein change: p.Asp54_Ile55insThrGlnLysPhePheArgAsp.
Molecular consequence: inframe insertion.
Genome position (GRCh38, 1-based): chr1:205,211,373-205,211,393, TGTCGCGGAAGAACTTCTGGG duplicated on the plus strand (CCCAGAAGTTCTTCCGCGACA on the coding strand, the reverse complement: DSTYK is on the minus strand); duplicating any 21 consecutive bases within chr1:205,211,373-205,211,394 gives the same sequence; the c. name uses the placement nearest the transcript's 3' end. VCF-style (leftmost placement, unchanged base first): chr1-205211372-A-ATGTCGCGGAAGAACTTCTGGG. GRCh37 (hg19) VCF-style: chr1-205180500-A-ATGTCGCGGAAGAACTTCTGGG.
Other names: c.143_163dup, p.Asp54_Ile55insThrGlnLysPhePheArgAsp (NM_199462.3).
Identifiers: ClinVar variation 4704790 (VCV004704790.1).

ClinVar aggregate classification (germline): Uncertain significance (1 of 4 stars; one submission).

Submission:

Labcorp Genetics (formerly Invitae), Labcorp
Classification: Uncertain significance. Last evaluated: 2025-09-25. Review status: criteria provided, single submitter. Criteria: Invitae Variant Classification Sherloc (09022015). Collection method: clinical testing. Allele origin: germline.
Comment: This variant, c.143_163dup, results in the insertion of 7 amino acid(s) of the DSTYK protein (p.Thr48_Asp54dup), but otherwise preserves the integrity of the reading frame. This variant is not present in population databases (gnomAD no frequency). This variant has not been reported in the literature in individuals affected with DSTYK-related conditions. In summary, the available evidence is currently insufficient to determine the role of this variant in disease. Therefore, it has been classified as a Variant of Uncertain Significance.